The following is an entry in ClinVar:

ClinVar aggregate classification (germline): Pathogenic (1 of 4 stars; one submission).

Conditions:
Hereditary cancer-predisposing syndrome. Also called: Neoplastic Syndromes, Hereditary; Tumor predisposition; Hereditary Cancer Syndrome; Hereditary neoplastic syndrome. Identifiers: Orphanet 140162, MedGen C0027672, MeSH D009386, MONDO:0015356.

Submission:

Ambry Genetics
Classification: Pathogenic for Hereditary cancer-predisposing syndrome. Last evaluated: 2026-04-22. Review status: criteria provided, single submitter. Criteria: Ambry Variant Classification Scheme 2023. Collection method: clinical testing. Allele origin: germline.
Comment: The p.Y685* pathogenic mutation (also known as c.2055C>G), located in coding exon 14 of the MSH3 gene, results from a C to G substitution at nucleotide position 2055. This changes the amino acid from a tyrosine to a stop codon within coding exon 14. This variant is considered to be rare based on population cohorts in the Genome Aggregation Database (gnomAD). This alteration is expected to result in loss of function by premature protein truncation or nonsense-mediated mRNA decay. As such, this alteration is interpreted as a disease-causing mutation.

NM_002439.5(MSH3):c.2055C>G (p.Tyr685Ter)

Gene: MSH3 (mutS homolog 3; plus strand). Cytogenetic location: 5q14.1.
Variant type: single nucleotide variant.
Coding change: c.2055C>G on transcript NM_002439.5 (MANE Select); coding-DNA position 2055, C replaced by G.
Protein change: p.Tyr685Ter; replaces tyrosine 685 with a stop codon.
Molecular consequence: nonsense.
Genome position (GRCh38, 1-based): chr5:80,768,091, C>G. VCF-style: chr5-80768091-C-G. GRCh37 (hg19) VCF-style: chr5-80063910-C-G.
Other names: short protein forms Y685*.
Identifiers: ClinVar variation 4860335 (VCV004860335.1).